The following is an entry in ClinVar:

ClinVar aggregate classification (germline): Likely pathogenic (1 of 4 stars; one submission).

Conditions:
PUS3-related disorder. Also called: PUS3-related condition.

gnomAD v4.1: 1 of 1,614,228 alleles (0.000062%); highest among the groups gnomAD compares: Middle Eastern, 0.016%; no homozygotes.

Submission:

PreventionGenetics, part of Exact Sciences
Classification: Likely pathogenic for PUS3-related condition. Last evaluated: 2026-09-25. Review status: criteria provided, single submitter. Criteria: ACMG Guidelines, 2015. Collection method: clinical testing. Allele origin: germline.
Comment: The PUS3 c.541G>T variant is predicted to result in premature protein termination (p.Glu181*). To our knowledge, this variant has not been reported in the literature or in a large population database (gnomAD), indicating this variant is rare. Nonsense variants in PUS3 are expected to be pathogenic. This variant is interpreted as likely pathogenic.

NM_031307.4(PUS3):c.541G>T (p.Glu181Ter)

Genes: HYLS1 (HYLS1 centriolar and ciliogenesis associated; plus strand), PUS3 (pseudouridine synthase 3; minus strand). Cytogenetic location: 11q24.2.
Variant type: single nucleotide variant.
Coding change: c.541G>T on transcript NM_031307.4 (MANE Select); coding-DNA position 541, G replaced by T.
Protein change: p.Glu181Ter; replaces glutamic acid 181 with a stop codon.
Molecular consequence: nonsense. On other transcripts: 5 prime UTR variant (2), intron variant (8).
Genome position (GRCh38, 1-based): chr11:125,895,627, C>A on the plus strand (G>T on the coding strand, the complement: PUS3 is on the minus strand). VCF-style: chr11-125895627-C-A. GRCh37 (hg19) VCF-style: chr11-125765522-C-A.
Other names: c.-84G>T (NM_001271985.2, NM_001441238.1); c.541G>T, p.Glu181Ter (NM_001441237.1); c.-80-3477C>A (NM_145014.3); c.-25-3717C>A (NM_001134793.2, NM_001377269.1); c.-22-3720C>A (NM_001424364.1, NM_001377270.1); c.378+280G>T (NM_001441241.1); c.498+43G>T (NM_001441239.1, NM_001441240.1); short protein forms E181*.
Identifiers: ClinVar variation 4991740 (VCV004991740.1).
Genomic context (GRCh38, chr11:125,895,627, plus strand): 5'-GAGGGAAAAAATAGCGGTAAGTCCGCTCAAGGCAGCTGAACCTAGCACTGAAGCTTGGTT[C>A]TACAGGGGCCCAGGCCAATATACGGATGTCTGGAGGGAGTACCCGATTGAGAATGTGGGT-3'